The following is an entry in ClinVar:

ClinVar aggregate classification (germline): Conflicting classifications of pathogenicity. Review status: criteria provided, conflicting classifications (1 of 4 stars). 2 submissions from 2 submitters: Likely pathogenic (1); Uncertain significance (1). Last evaluated 2022-09-01.

Conditions:
Neurodevelopmental disorder with or without hyperkinetic movements and seizures, autosomal dominant. Also called: Intellectual disability, autosomal dominant 8. Identifiers: MedGen C3280282, MONDO:0013655, OMIM 614254.

Submissions (2):

Labcorp Genetics (formerly Invitae), Labcorp
Classification: Uncertain significance for Neurodevelopmental disorder with or without hyperkinetic movements and seizures, autosomal dominant. Last evaluated: 2022-09-01. Review status: criteria provided, single submitter. Criteria: Invitae Variant Classification Sherloc (09022015). Collection method: clinical testing. Allele origin: germline.
Comment: Algorithms developed to predict the effect of sequence changes on RNA splicing suggest that this variant may create or strengthen a splice site. In summary, the available evidence is currently insufficient to determine the role of this variant in disease. Therefore, it has been classified as a Variant of Uncertain Significance. Advanced modeling of protein sequence and biophysical properties (such as structural, functional, and spatial information, amino acid conservation, physicochemical variation, residue mobility, and thermodynamic stability) performed at Invitae indicates that this missense variant is expected to disrupt GRIN1 protein function. ClinVar contains an entry for this variant (Variation ID: 691274). This variant has not been reported in the literature in individuals affected with GRIN1-related conditions. This variant is not present in population databases (gnomAD no frequency). This sequence change replaces glutamic acid, which is acidic and polar, with glutamine, which is neutral and polar, at codon 834 of the GRIN1 protein (p.Glu834Gln).

Department of Genetics, Rouen University Hospital, Normandy Center for Genomic and Personalized Medicine
Classification: Likely pathogenic for Neurodevelopmental disorder with or without hyperkinetic movements and seizures, autosomal dominant. Last evaluated: 2018-09-13. Review status: criteria provided, single submitter. Criteria: ACMG Guidelines, 2015. Collection method: clinical testing. Allele origin: de novo. Affected: yes.

NM_007327.4(GRIN1):c.2500G>C (p.Glu834Gln)

Gene: GRIN1 (glutamate ionotropic receptor NMDA type subunit 1; plus strand). Cytogenetic location: 9q34.3.
Variant type: single nucleotide variant.
Coding change: c.2500G>C on transcript NM_007327.4 (MANE Select); coding-DNA position 2500, G replaced by C.
Protein change: p.Glu834Gln; replaces glutamic acid 834 with glutamine.
Molecular consequence: missense variant.
Genome position (GRCh38, 1-based): chr9:137,163,815, G>C. VCF-style: chr9-137163815-G-C. GRCh37 (hg19) VCF-style: chr9-140058267-G-C.
Other names: c.2500G>C, p.Glu834Gln (NM_000832.7, NM_021569.4); c.2563G>C, p.Glu855Gln (NM_001185090.2, NM_001185091.2); short protein forms E834Q, E855Q.
Identifiers: ClinVar variation 691274 (VCV000691274.12), dbSNP rs1588735834, ClinGen allele CA375726599.